The following is an entry in ClinVar:

NM_152347.5(EFCAB13):c.339G>A (p.Lys113=)

Gene: EFCAB13 (EF-hand calcium binding domain 13; plus strand). Cytogenetic location: 17q21.32.
Variant type: single nucleotide variant.
Coding change: c.339G>A on transcript NM_152347.5 (MANE Select); coding-DNA position 339, G replaced by A.
Protein change: p.Lys113=; no amino-acid change (lysine 113 retained).
Molecular consequence: synonymous variant.
Genome position (GRCh38, 1-based): chr17:47,344,197, G>A. VCF-style: chr17-47344197-G-A. GRCh37 (hg19) VCF-style: chr17-45421563-G-A.
Other names: c.339G>A, p.Lys113= (NM_001195192.2, NM_001426585.1, NM_001426586.1 and 7 more transcripts).
Identifiers: ClinVar variation 3039578 (VCV003039578.2), dbSNP rs78561706, ClinGen allele CA8623652.

ClinVar aggregate classification (germline): Benign (0 of 4 stars; one submission).

Conditions:
EFCAB13-related disorder. Also called: EFCAB13-related condition.

Allele frequency attached by ClinVar (database versions not stated): gnomAD exomes 0.00524; ESP Exome Variant Server 0.00984; gnomAD 0.01280; ExAC 0.01310; TOPMed 0.01354; 1000 Genomes Project 30x 0.02951; 1000 Genomes Project 0.02955.
gnomAD v4.1: 9,864 of 1,613,128 alleles (0.61%); highest among the groups gnomAD compares: East Asian, 6.1%; 255 homozygotes.

Submission:

PreventionGenetics, part of Exact Sciences
Classification: Benign for EFCAB13-related condition. Last evaluated: 2019-02-19. Review status: no assertion criteria provided. Collection method: clinical testing. Allele origin: germline.
Comment: This variant is classified as benign based on ACMG/AMP sequence variant interpretation guidelines (Richards et al. 2015 PMID: 25741868, with internal and published modifications).